The following is an entry in ClinVar:

ClinVar aggregate classification (germline): Uncertain significance (1 of 4 stars; one submission).

Allele frequency attached by ClinVar (database versions not stated): gnomAD exomes below 0.00001; TOPMed below 0.00001.
gnomAD v4.1: 7 of 1,614,228 alleles (0.00043%); highest among the groups gnomAD compares: African/African-American, 0.0027%; no homozygotes.

Submission:

Labcorp Genetics (formerly Invitae), Labcorp
Classification: Uncertain significance. Last evaluated: 2022-08-30. Review status: criteria provided, single submitter. Criteria: Invitae Variant Classification Sherloc (09022015). Collection method: clinical testing. Allele origin: germline.
Comment: This variant has not been reported in the literature in individuals affected with CSF1R-related conditions. Advanced modeling of protein sequence and biophysical properties (such as structural, functional, and spatial information, amino acid conservation, physicochemical variation, residue mobility, and thermodynamic stability) performed at Invitae indicates that this missense variant is not expected to disrupt CSF1R protein function. In summary, the available evidence is currently insufficient to determine the role of this variant in disease. Therefore, it has been classified as a Variant of Uncertain Significance. This variant is not present in population databases (gnomAD no frequency). This sequence change replaces serine, which is neutral and polar, with phenylalanine, which is neutral and non-polar, at codon 732 of the CSF1R protein (p.Ser732Phe).

NM_001288705.3(CSF1R):c.2195C>T (p.Ser732Phe)

Gene: CSF1R (colony stimulating factor 1 receptor; minus strand). Cytogenetic location: 5q32.
Variant type: single nucleotide variant.
Coding change: c.2195C>T on transcript NM_001288705.3 (MANE Select); coding-DNA position 2195, C replaced by T.
Protein change: p.Ser732Phe; replaces serine 732 with phenylalanine.
Molecular consequence: missense variant. On other transcripts: non-coding transcript variant (2).
Genome position (GRCh38, 1-based): chr5:150,057,530, G>A on the plus strand (C>T on the coding strand, the complement: CSF1R is on the minus strand). VCF-style: chr5-150057530-G-A. GRCh37 (hg19) VCF-style: chr5-149437093-G-A.
Other names: c.2195C>T, p.Ser732Phe (NM_001349736.2, NM_001375320.1, NM_005211.4); c.1751C>T, p.Ser584Phe (NM_001375321.1); short protein forms S732F, S584F.
Identifiers: ClinVar variation 1930558 (VCV001930558.5), dbSNP rs1757280130, ClinGen allele CA361760561.